The following is an entry in ClinVar:

NM_001377229.1(DISP1):c.1961C>A (p.Ala654Glu)

Gene: DISP1 (dispatched RND transporter family member 1; plus strand). Cytogenetic location: 1q41.
Variant type: single nucleotide variant.
Coding change: c.1961C>A on transcript NM_001377229.1 (MANE Select); coding-DNA position 1961, C replaced by A.
Protein change: p.Ala654Glu; replaces alanine 654 with glutamic acid.
Molecular consequence: missense variant.
Genome position (GRCh38, 1-based): chr1:223,003,358, C>A. VCF-style: chr1-223003358-C-A. GRCh37 (hg19) VCF-style: chr1-223176700-C-A.
Other names: c.1232C>A, p.Ala411Glu (NM_001350630.2); c.1961C>A, p.Ala654Glu (NM_001369594.1, NM_001377228.1, NM_032890.5); short protein forms A411E, A654E.
Identifiers: ClinVar variation 3725524 (VCV003725524.2).
Genomic context (GRCh38, chr1:223,003,358, plus strand): 5'-GGGTTTATGCGGGGACAGCTATATTGGTGAATTACGTTTTGATGGTCACATGGCTTCCAG[C>A]AGTTGTTGTGCTGCATGAGCGGTATCTTCTTAATATATTCACTTGCTTCAAAAAGCCCCA-3'
Protein context (NP_001364158.1, residues 644-664): NYVLMVTWLP[Ala654Glu]VVVLHERYLL

ClinVar aggregate classification (germline): Uncertain significance (1 of 4 stars; one submission).

gnomAD v4.1: 2 of 1,614,116 alleles (0.00012%); highest among the groups gnomAD compares: Admixed American, 0.0033%; no homozygotes.

Submission:

Labcorp Genetics (formerly Invitae), Labcorp
Classification: Uncertain significance. Last evaluated: 2025-07-07. Review status: criteria provided, single submitter. Criteria: Invitae Variant Classification Sherloc (09022015). Collection method: clinical testing. Allele origin: germline.
Comment: This sequence change replaces alanine, which is neutral and non-polar, with glutamic acid, which is acidic and polar, at codon 654 of the DISP1 protein (p.Ala654Glu). This variant is present in population databases (rs781021329, gnomAD 0.006%). This variant has not been reported in the literature in individuals affected with DISP1-related conditions. ClinVar contains an entry for this variant (Variation ID: 3725524). An algorithm developed to predict the effect of missense changes on protein structure and function (PolyPhen-2) suggests that this variant is likely to be disruptive. In summary, the available evidence is currently insufficient to determine the role of this variant in disease. Therefore, it has been classified as a Variant of Uncertain Significance.